The following is an entry in ClinVar:

ClinVar aggregate classification (germline): Uncertain significance (1 of 4 stars; one submission).

Allele frequency attached by ClinVar (database versions not stated): gnomAD 0.00001; gnomAD exomes 0.00002; ExAC 0.00005.

Submission:

Labcorp Genetics (formerly Invitae), Labcorp
Classification: Uncertain significance. Last evaluated: 2024-04-22. Review status: criteria provided, single submitter. Criteria: Invitae Variant Classification Sherloc (09022015). Collection method: clinical testing. Allele origin: germline.
Comment: This sequence change replaces lysine, which is basic and polar, with glutamic acid, which is acidic and polar, at codon 572 of the GUF1 protein (p.Lys572Glu). This variant is present in population databases (rs760541200, gnomAD 0.03%). This variant has not been reported in the literature in individuals affected with GUF1-related conditions. An algorithm developed to predict the effect of missense changes on protein structure and function (PolyPhen-2) suggests that this variant is likely to be tolerated. In summary, the available evidence is currently insufficient to determine the role of this variant in disease. Therefore, it has been classified as a Variant of Uncertain Significance.

NM_021927.3(GUF1):c.1714A>G (p.Lys572Glu)

Gene: GUF1 (GTP binding elongation factor GUF1; plus strand). Cytogenetic location: 4p12.
Variant type: single nucleotide variant.
Coding change: c.1714A>G on transcript NM_021927.3 (MANE Select); coding-DNA position 1714, A replaced by G.
Protein change: p.Lys572Glu; replaces lysine 572 with glutamic acid.
Molecular consequence: missense variant.
Genome position (GRCh38, 1-based): chr4:44,694,512, A>G. VCF-style: chr4-44694512-A-G. GRCh37 (hg19) VCF-style: chr4-44696529-A-G.
Other names: c.742A>G, p.Lys248Glu (NM_001345867.2, NM_001345869.2); c.1714A>G, p.Asn572Asp (NM_001345868.2); short protein forms K248E, K572E, N572D.
Identifiers: ClinVar variation 2889549 (VCV002889549.3), dbSNP rs760541200, ClinGen allele CA2905725.